The following is an entry in ClinVar:

ClinVar aggregate classification (germline): Uncertain significance. Review status: criteria provided, multiple submitters, no conflicts (2 of 4 stars). 4 submissions from 4 submitters: Uncertain significance (4). Last evaluated 2026-07-01.

Conditions:
Inborn genetic diseases. Identifiers: MedGen C0950123, MeSH D030342.
Pyruvate dehydrogenase E1-beta deficiency (PDHBD). Identifiers: Orphanet 255138, Orphanet 765, MedGen C3279841, MONDO:0013580, OMIM 614111.

Allele frequency attached by ClinVar (database versions not stated): ESP Exome Variant Server 0.00015.
gnomAD v4.1: 388 of 1,611,596 alleles (0.024%); highest among the groups gnomAD compares: Middle Eastern, 0.066%; 1 homozygote.

Submissions (4):

CeGaT Center for Human Genetics Tuebingen
Classification: Uncertain significance. Last evaluated: 2026-07-01. Review status: criteria provided, single submitter. Criteria: CeGaT Center For Human Genetics Tuebingen Variant Classification Criteria Version 2. Collection method: clinical testing. Allele origin: germline. Affected: yes. Observed: 1 variant allele.

GeneDx
Classification: Uncertain significance. Last evaluated: 2023-06-08. Review status: criteria provided, single submitter. Criteria: GeneDx Variant Classification Process June 2021. Collection method: clinical testing. Allele origin: germline. Affected: yes.
Comment: In silico analysis supports that this missense variant does not alter protein structure/function; Has not been previously published as pathogenic or benign to our knowledge

Ambry Genetics
Classification: Uncertain significance for Inborn genetic diseases. Last evaluated: 2023-05-16. Review status: criteria provided, single submitter. Criteria: Ambry Variant Classification Scheme 2023. Collection method: clinical testing. Allele origin: germline.

Labcorp Genetics (formerly Invitae), Labcorp
Classification: Uncertain significance for Pyruvate dehydrogenase E1-beta deficiency. Last evaluated: 2022-08-16. Review status: criteria provided, single submitter. Criteria: Invitae Variant Classification Sherloc (09022015). Collection method: clinical testing. Allele origin: germline.
Comment: This sequence change replaces serine, which is neutral and polar, with proline, which is neutral and non-polar, at codon 5 of the PDHB protein (p.Ser5Pro). This variant is present in population databases (rs200470565, gnomAD 0.02%). This variant has not been reported in the literature in individuals affected with PDHB-related conditions. Algorithms developed to predict the effect of missense changes on protein structure and function (SIFT, PolyPhen-2, Align-GVGD) all suggest that this variant is likely to be tolerated. In summary, the available evidence is currently insufficient to determine the role of this variant in disease. Therefore, it has been classified as a Variant of Uncertain Significance.

NM_000925.4(PDHB):c.13T>C (p.Ser5Pro)

Genes: PDHB (pyruvate dehydrogenase E1 subunit beta; minus strand), LOC129936949 (ATAC-STARR-seq lymphoblastoid active region 20012; plus strand). Cytogenetic location: 3p14.3.
Variant type: single nucleotide variant.
Coding change: c.13T>C on transcript NM_000925.4 (MANE Select); coding-DNA position 13, T replaced by C.
Protein change: p.Ser5Pro; replaces serine 5 with proline.
Molecular consequence: missense variant. On other transcripts: non-coding transcript variant (1).
Genome position (GRCh38, 1-based): chr3:58,433,797, A>G on the plus strand (T>C on the coding strand, the complement: PDHB is on the minus strand). VCF-style: chr3-58433797-A-G. GRCh37 (hg19) VCF-style: chr3-58419524-A-G.
Other names: c.13T>C (NM_000925.3); c.13T>C, p.Ser5Pro (NM_001173468.2, NM_001315536.2); short protein forms S5P.
Identifiers: ClinVar variation 2185612 (VCV002185612.5), dbSNP rs200470565, ClinGen allele CA2471709.